The following is an entry in ClinVar:

NM_033028.5(BBS4):c.17T>G (p.Val6Gly)

Gene: BBS4 (Bardet-Biedl syndrome 4; plus strand). Cytogenetic location: 15q24.1.
Variant type: single nucleotide variant.
Coding change: c.17T>G on transcript NM_033028.5 (MANE Select); coding-DNA position 17, T replaced by G.
Protein change: p.Val6Gly; replaces valine 6 with glycine.
Molecular consequence: missense variant. On other transcripts: 5 prime UTR variant (1), non-coding transcript variant (2).
Genome position (GRCh38, 1-based): chr15:72,686,244, T>G. VCF-style: chr15-72686244-T-G. GRCh37 (hg19) VCF-style: chr15-72978585-T-G.
Other names: c.-453T>G (NM_001252678.2); c.17T>G, p.Val6Gly (NM_001320665.2); short protein forms V6G.
Identifiers: ClinVar variation 3350684 (VCV003350684.1).

ClinVar aggregate classification (germline): Uncertain significance (0 of 4 stars; one submission).

Conditions:
BBS4-related disorder. Also called: BBS4-related condition.

gnomAD v4.1: 7 of 1,564,888 alleles (0.00045%); highest among the groups gnomAD compares: East Asian, 0.0024%; no homozygotes.

Submission:

PreventionGenetics, part of Exact Sciences
Classification: Uncertain significance for BBS4-related condition. Last evaluated: 2024-09-05. Review status: no assertion criteria provided. Collection method: clinical testing. Allele origin: germline.
Comment: The BBS4 c.17T>G variant is predicted to result in the amino acid substitution p.Val6Gly. To our knowledge, this variant has not been reported in the literature or in a large population database, indicating this variant is rare. At this time, the clinical significance of this variant is uncertain due to the absence of conclusive functional and genetic evidence.